The following is an entry in ClinVar:

ClinVar aggregate classification (germline): Uncertain significance (1 of 4 stars; one submission).

Submission:

Labcorp Genetics (formerly Invitae), Labcorp
Classification: Uncertain significance. Last evaluated: 2025-02-15. Review status: criteria provided, single submitter. Criteria: Invitae Variant Classification Sherloc (09022015). Collection method: clinical testing. Allele origin: germline.
Comment: This sequence change replaces proline, which is neutral and non-polar, with leucine, which is neutral and non-polar, at codon 639 of the SYNPO protein (p.Pro639Leu). This variant is present in population databases (rs532417010, gnomAD 0.03%). This variant has not been reported in the literature in individuals affected with SYNPO-related conditions. An algorithm developed to predict the effect of missense changes on protein structure and function (PolyPhen-2) suggests that this variant is likely to be disruptive. In summary, the available evidence is currently insufficient to determine the role of this variant in disease. Therefore, it has been classified as a Variant of Uncertain Significance.

NM_007286.6(SYNPO):c.1916C>T (p.Pro639Leu)

Gene: SYNPO (synaptopodin; plus strand). Cytogenetic location: 5q33.1.
Variant type: single nucleotide variant.
Coding change: c.1916C>T on transcript NM_007286.6 (MANE Select); coding-DNA position 1916, C replaced by T.
Protein change: p.Pro639Leu; replaces proline 639 with leucine.
Molecular consequence: missense variant.
Genome position (GRCh38, 1-based): chr5:150,650,191, C>T. VCF-style: chr5-150650191-C-T. GRCh37 (hg19) VCF-style: chr5-150029753-C-T.
Other names: c.1916C>T, p.Pro639Leu (NM_001109974.3); c.2648C>T, p.Pro883Leu (NM_001166208.2, NM_001166209.2); short protein forms P639L, P883L.
Identifiers: ClinVar variation 4691625 (VCV004691625.1).